The following is an entry in ClinVar:

NM_015338.6(ASXL1):c.1601C>T (p.Ser534Phe)

Gene: ASXL1 (ASXL transcriptional regulator 1; plus strand). Cytogenetic location: 20q11.21.
Variant type: single nucleotide variant.
Coding change: c.1601C>T on transcript NM_015338.6 (MANE Select); coding-DNA position 1601, C replaced by T.
Protein change: p.Ser534Phe; replaces serine 534 with phenylalanine.
Molecular consequence: missense variant.
Genome position (GRCh38, 1-based): chr20:32,433,799, C>T. VCF-style: chr20-32433799-C-T. GRCh37 (hg19) VCF-style: chr20-31021602-C-T.
Other names: c.1418C>T, p.Ser473Phe (NM_001363734.1); short protein forms S534F, S473F.
Identifiers: ClinVar variation 5030404 (VCV005030404.1).

ClinVar aggregate classification (germline): Uncertain significance (1 of 4 stars; one submission).

Conditions:
Inborn genetic diseases. Identifiers: MedGen C0950123, MeSH D030342.

Submission:

Ambry Genetics
Classification: Uncertain significance for Inborn genetic diseases. Last evaluated: 2026-08-27. Review status: criteria provided, single submitter. Criteria: Ambry Variant Classification Scheme 2023. Collection method: clinical testing. Allele origin: germline.
Comment: The p.S534F variant (also known as c.1601C>T), located in coding exon 12 of the ASXL1 gene, results from a C to T substitution at nucleotide position 1601. The serine at codon 534 is replaced by phenylalanine, an amino acid with highly dissimilar properties. This amino acid position is conserved. In addition, this alteration is predicted to be tolerated by in silico analysis. Based on the available evidence, the clinical significance of this variant remains unclear.